The following is an entry in ClinVar:

ClinVar aggregate classification (germline): Likely pathogenic (1 of 4 stars; one submission).

Conditions:
Finnish congenital nephrotic syndrome (NPHS1). Also called: NEPHROTIC SYNDROME, TYPE 1. Identifiers: Orphanet 839, MedGen C0403399, MONDO:0009732, OMIM 256300.

Allele frequency attached by ClinVar (database versions not stated): TOPMed below 0.00001.

Submission:

Women's Health and Genetics/Laboratory Corporation of America, LabCorp
Classification: Likely pathogenic for Finnish congenital nephrotic syndrome. Last evaluated: 2025-07-11. Review status: criteria provided, single submitter. Criteria: LabCorp Variant Classification Summary - May 2015. Collection method: clinical testing. Allele origin: germline.
Comment: Variant summary: NPHS1 c.3594+2T>C is located in the last canonical splice-site and is predicted to affect mRNA splicing resulting in a significantly altered protein due to either exon skipping, shortening, or inclusion of intronic material. A truncation prior to the last exon may not cause nonsense-mediated decay or disrupt a functional domain, however variants downstream have been observed in affected individual/s. Several computational tools predict a significant impact on normal splicing: Four predict the variant abolishes a 5 splicing donor site. However, these predictions have yet to be confirmed by functional studies. The variant was absent in 251462 control chromosomes. To our knowledge, no occurrence of c.3594+2T>C in individuals affected with Nephrotic Syndrome, Type 1 and no experimental evidence demonstrating its impact on protein function have been reported. ClinVar contains an entry for this variant (Variation ID: 1723351). Based on the evidence outlined above, the variant was classified as likely pathogenic.

NM_004646.4(NPHS1):c.3594+2T>C

Gene: NPHS1 (NPHS1 adhesion molecule, nephrin; minus strand). Cytogenetic location: 19q13.12.
Variant type: single nucleotide variant.
Coding change: c.3594+2T>C on transcript NM_004646.4 (MANE Select); the canonical splice donor site of the intron after coding-DNA position 3594, T replaced by C.
Molecular consequence: splice donor variant.
Genome position (GRCh38, 1-based): chr19:35,830,842, A>G on the plus strand (T>C on the coding strand, the complement: NPHS1 is on the minus strand). VCF-style: chr19-35830842-A-G. GRCh37 (hg19) VCF-style: chr19-36321744-A-G.
Identifiers: ClinVar variation 1723351 (VCV001723351.2), dbSNP rs1972867616, ClinGen allele CA405415266.
Genomic context (GRCh38, chr19:35,830,842, plus strand): 5'-CAATAGGAGGTAGGCTCCCAGCACTAGCCAGGAAGGATGGTTGCTGATGCAAAGCTTCTC[A>G]CCATCTGCACTTCATCGTAGAGGGGTCCCCAGGCTCCAGACGGGGGGTACGTTCTTTCTA-3'